The following is an entry in ClinVar:

NM_080680.3(COL11A2):c.579C>T (p.Ala193=)

Gene: COL11A2 (collagen type XI alpha 2 chain; minus strand). Cytogenetic location: 6p21.32.
Variant type: single nucleotide variant.
Coding change: c.579C>T on transcript NM_080680.3 (MANE Select); coding-DNA position 579, C replaced by T.
Protein change: p.Ala193=; no amino-acid change (alanine 193 retained).
Molecular consequence: synonymous variant.
Genome position (GRCh38, 1-based): chr6:33,188,389, G>A on the plus strand (C>T on the coding strand, the complement: COL11A2 is on the minus strand). VCF-style: chr6-33188389-G-A. GRCh37 (hg19) VCF-style: chr6-33156166-G-A.
Other names: c.579C>T, p.Ala193= (NM_001163771.2, NM_080679.3, NM_080681.3).
Identifiers: ClinVar variation 681633 (VCV000681633.16), dbSNP rs201054429, ClinGen allele CA137053960.

ClinVar aggregate classification (germline): Conflicting classifications of pathogenicity. Review status: criteria provided, conflicting classifications (1 of 4 stars). 7 submissions from 5 submitters: Uncertain significance (3); Likely benign (3). 1 of the submissions does not count toward it. Last evaluated 2025-08-22.

Conditions:
COL11A2-related disorder. Also called: COL11A2-related condition; COL11A2-related disorders.
Fibrochondrogenesis 2 (FBCG2). Identifiers: Orphanet 2021, MedGen C3281128, MONDO:0013795, OMIM 614524.
Otospondylomegaepiphyseal dysplasia, autosomal dominant (OSMEDA). Also called: COL11A2-Related Stickler Syndrome; Stickler syndrome, type 3; Pierre Robin syndrome with fetal chondrodysplasia. Identifiers: Orphanet 166100, Orphanet 3450, MedGen C1848488, MONDO:0008490, OMIM 184840.
Otospondylomegaepiphyseal dysplasia, autosomal recessive (OSMEDB). Also called: CHONDRODYSTROPHY WITH SENSORINEURAL DEAFNESS; Insley-Astley syndrome. Identifiers: Orphanet 1427, MedGen CN034493, MONDO:0044206, OMIM 215150.

Allele frequency attached by ClinVar (database versions not stated): gnomAD exomes 0.00002 and 0.00003; TOPMed 0.00003; gnomAD 0.00005.
gnomAD v4.1: 41 of 1,612,914 alleles (0.0025%); highest among the groups gnomAD compares: Non-Finnish European, 0.0021%; no homozygotes.

Submissions (7):

Labcorp Genetics (formerly Invitae), Labcorp
Classification: Likely benign. Last evaluated: 2025-08-22. Review status: criteria provided, single submitter. Criteria: Invitae Variant Classification Sherloc (09022015). Collection method: clinical testing. Allele origin: germline.

Blueprint Genetics
Classification: Likely benign. Last evaluated: 2024-02-16. Review status: criteria provided, single submitter. Criteria: ACMG Guidelines, 2015. Collection method: clinical testing. Allele origin: germline.

GeneDx
Classification: Likely benign. Last evaluated: 2021-05-05. Review status: criteria provided, single submitter. Criteria: GeneDx Variant Classification Process June 2021. Collection method: clinical testing. Allele origin: germline. Affected: yes.

Illumina Laboratory Services, Illumina
Classification: Uncertain significance for Otospondylomegaepiphyseal dysplasia, autosomal recessive. Last evaluated: 2018-01-12. Review status: criteria provided, single submitter. Criteria: ICSL Variant Classification Criteria 13 December 2019. Collection method: clinical testing. Allele origin: germline.

Illumina Laboratory Services, Illumina
Classification: Uncertain significance for Fibrochondrogenesis 2. Last evaluated: 2018-01-12. Review status: criteria provided, single submitter. Criteria: ICSL Variant Classification Criteria 13 December 2019. Collection method: clinical testing. Allele origin: germline.

Illumina Laboratory Services, Illumina
Classification: Uncertain significance for Otospondylomegaepiphyseal dysplasia, autosomal dominant. Last evaluated: 2018-01-12. Review status: criteria provided, single submitter. Criteria: ICSL Variant Classification Criteria 13 December 2019. Collection method: clinical testing. Allele origin: germline.

PreventionGenetics, part of Exact Sciences
Classification: Likely benign for COL11A2-related condition. Last evaluated: 2019-09-11. Review status: no assertion criteria provided. Collection method: clinical testing. Allele origin: germline. Not counted in ClinVar's aggregate classification.
Comment: This variant is classified as likely benign based on ACMG/AMP sequence variant interpretation guidelines (Richards et al. 2015 PMID: 25741868, with internal and published modifications).